The following is an entry in ClinVar:

ClinVar aggregate classification (germline): Uncertain significance (1 of 4 stars; one submission).

Conditions:
Hypertrophic cardiomyopathy. Also called: HYPERTROPHIC MYOCARDIOPATHY. Identifiers: Orphanet 217569, MedGen C0007194, MeSH D002312, MONDO:0005045, HP:0001639.

Submission:

Labcorp Genetics (formerly Invitae), Labcorp
Classification: Uncertain significance for Hypertrophic cardiomyopathy. Last evaluated: 2022-01-19. Review status: criteria provided, single submitter. Criteria: Invitae Variant Classification Sherloc (09022015). Collection method: clinical testing. Allele origin: germline.
Comment: In summary, the available evidence is currently insufficient to determine the role of this variant in disease. Therefore, it has been classified as a Variant of Uncertain Significance. Algorithms developed to predict the effect of missense changes on protein structure and function are either unavailable or do not agree on the potential impact of this missense change (SIFT: "Deleterious"; PolyPhen-2: "Probably Damaging"; Align-GVGD: "Class C0"). This variant has not been reported in the literature in individuals affected with MYH7-related conditions. This variant is not present in population databases (gnomAD no frequency). This sequence change replaces leucine, which is neutral and non-polar, with proline, which is neutral and non-polar, at codon 978 of the MYH7 protein (p.Leu978Pro).

NM_000257.4(MYH7):c.2933T>C (p.Leu978Pro)

Gene: MYH7 (myosin heavy chain 7; minus strand). Cytogenetic location: 14q11.2.
Variant type: single nucleotide variant.
Coding change: c.2933T>C on transcript NM_000257.4 (MANE Select); coding-DNA position 2933, T replaced by C.
Protein change: p.Leu978Pro; replaces leucine 978 with proline.
Molecular consequence: missense variant.
Genome position (GRCh38, 1-based): chr14:23,423,713, A>G on the plus strand (T>C on the coding strand, the complement: MYH7 is on the minus strand). VCF-style: chr14-23423713-A-G. GRCh37 (hg19) VCF-style: chr14-23892922-A-G.
Other names: c.2933T>C, p.Leu978Pro (NM_001407004.1); short protein forms L978P.
Identifiers: ClinVar variation 2088164 (VCV002088164.4), dbSNP rs2502278311, ClinGen allele CA389046501.